The following is an entry in ClinVar:

NM_007118.4(TRIO):c.4544C>G (p.Ser1515Cys)

Gene: TRIO (trio Rho guanine nucleotide exchange factor; plus strand). Cytogenetic location: 5p15.2.
Variant type: single nucleotide variant.
Coding change: c.4544C>G on transcript NM_007118.4 (MANE Select); coding-DNA position 4544, C replaced by G.
Protein change: p.Ser1515Cys; replaces serine 1515 with cysteine.
Molecular consequence: missense variant. On other transcripts: non-coding transcript variant (1).
Genome position (GRCh38, 1-based): chr5:14,399,000, C>G. VCF-style: chr5-14399000-C-G. GRCh37 (hg19) VCF-style: chr5-14399109-C-G.
Other names: short protein forms S1515C.
Identifiers: ClinVar variation 3383785 (VCV003383785.1).

ClinVar aggregate classification (germline): Uncertain significance (1 of 4 stars; one submission).

Submission:

GeneDx
Classification: Uncertain significance. Last evaluated: 2024-05-31. Review status: criteria provided, single submitter. Criteria: GeneDx Variant Classification Process June 2021. Collection method: clinical testing. Allele origin: germline. Affected: yes.
Comment: Not observed at significant frequency in large population cohorts (gnomAD); In silico analysis supports that this missense variant has a deleterious effect on protein structure/function; Has not been previously published as pathogenic or benign to our knowledge